The following is an entry in ClinVar:

ClinVar aggregate classification (germline): Uncertain significance (1 of 4 stars; one submission).

Conditions:
Hereditary cancer-predisposing syndrome. Also called: Neoplastic Syndromes, Hereditary; Tumor predisposition; Hereditary Cancer Syndrome; Hereditary neoplastic syndrome. Identifiers: Orphanet 140162, MedGen C0027672, MeSH D009386, MONDO:0015356.

Submission:

Ambry Genetics
Classification: Uncertain significance for Hereditary cancer-predisposing syndrome. Last evaluated: 2024-03-16. Review status: criteria provided, single submitter. Criteria: Ambry Variant Classification Scheme 2023. Collection method: clinical testing. Allele origin: germline.
Comment: The p.S421I variant (also known as c.1262G>T), located in coding exon 9 of the STK11 gene, results from a G to T substitution at nucleotide position 1262. The serine at codon 421 is replaced by isoleucine, an amino acid with dissimilar properties. This amino acid position is conserved. In addition, this alteration is predicted to be tolerated by in silico analysis. Since supporting evidence is limited at this time, the clinical significance of this alteration remains unclear.

NM_000455.5(STK11):c.1262G>T (p.Ser421Ile)

Gene: STK11 (serine/threonine kinase 11; plus strand). Cytogenetic location: 19p13.3.
Variant type: single nucleotide variant.
Coding change: c.1262G>T on transcript NM_000455.5 (MANE Select); coding-DNA position 1262, G replaced by T.
Protein change: p.Ser421Ile; replaces serine 421 with isoleucine.
Molecular consequence: missense variant.
Genome position (GRCh38, 1-based): chr19:1,226,607, G>T. VCF-style: chr19-1226607-G-T. GRCh37 (hg19) VCF-style: chr19-1226606-G-T.
Other names: short protein forms S421I.
Identifiers: ClinVar variation 1763458 (VCV001763458.3), dbSNP rs1253803683, ClinGen allele CA402954095.
Genomic context (GRCh38, chr19:1,226,607, plus strand): 5'-GCACCAAATCCAGGGCGGAGGGCCGGGCCCCCAACCCTGCCCGCAAGGCCTGCTCCGCCA[G>T]CAGCAAGATCCGCCGGCTGTCGGCCTGCAAGCAGCAGTGAGGCTGGCCGCCTGCAGGTGG-3'
Protein context (NP_000446.1, residues 411-431): PNPARKACSA[Ser421Ile]SKIRRLSACK